The following is an entry in ClinVar:

NM_003060.4(SLC22A5):c.1299G>A (p.Met433Ile)

Gene: SLC22A5 (solute carrier family 22 member 5; plus strand). Cytogenetic location: 5q31.1.
Variant type: single nucleotide variant.
Coding change: c.1299G>A on transcript NM_003060.4 (MANE Select); coding-DNA position 1299, G replaced by A.
Protein change: p.Met433Ile; replaces methionine 433 with isoleucine.
Molecular consequence: missense variant.
Genome position (GRCh38, 1-based): chr5:132,392,464, G>A. VCF-style: chr5-132392464-G-A. GRCh37 (hg19) VCF-style: chr5-131728156-G-A.
Other names: c.1371G>A, p.Met457Ile (NM_001308122.2); short protein forms M433I, M457I.
Identifiers: ClinVar variation 1991707 (VCV001991707.5), dbSNP rs748212030, ClinGen allele CA3404129.
Genomic context (GRCh38, chr5:132,392,464, plus strand): 5'-CTCCTACCCTCTTTCCTTTGCTTCTCCAGACTTGTATTATTTGGCTACAGTCCTGGTGAT[G>A]GTGGGCAAGTTTGGAGTCACGGCTGCCTTTTCCATGGTCTACGTGTACACAGCCGAGCTG-3'
Protein context (NP_003051.1, residues 423-443): DLYYLATVLV[Met433Ile]VGKFGVTAAF

ClinVar aggregate classification (germline): Conflicting classifications of pathogenicity. Review status: criteria provided, conflicting classifications (1 of 4 stars). 2 submissions from 2 submitters: Likely pathogenic (1); Uncertain significance (1). Last evaluated 2025-09-04.

Conditions:
Renal carnitine transport defect (CDSP). Also called: CARNITINE DEFICIENCY, SYSTEMIC, DUE TO DEFECT IN RENAL REABSORPTION OF CARNITINE; CARNITINE TRANSPORTER, PLASMA-MEMBRANE, DEFICIENCY OF; CARNITINE UPTAKE DEFECT; Primary carnitine deficiency; Systemic primary carnitine deficiency disease; Systemic primary carnitine deficiency. Identifiers: Orphanet 158, MedGen C0342788, MONDO:0008919, OMIM 212140.

Allele frequency attached by ClinVar (database versions not stated): ExAC 0.00001.
gnomAD v4.1: 1 of 1,614,218 alleles (0.000062%); highest among the groups gnomAD compares: Non-Finnish European, 0.000085%; no homozygotes.

Submissions (2):

Women's Health and Genetics/Laboratory Corporation of America, LabCorp
Classification: Uncertain significance. Last evaluated: 2025-09-04. Review status: criteria provided, single submitter. Criteria: LabCorp Variant Classification Summary - May 2015. Collection method: clinical testing. Allele origin: germline.
Comment: Variant summary: SLC22A5 c.1299G>A (p.Met433Ile) results in a conservative amino acid change in the encoded protein sequence. Algorithms developed to predict the effect of missense changes on protein structure and function are either unavailable or do not agree on the potential impact of this missense change. The variant allele was found at a frequency of 4e-06 in 251490 control chromosomes. The available data on variant occurrences in the general population are insufficient to allow any conclusion about variant significance. To our knowledge, no occurrence of c.1299G>A in individuals affected with SLC22A5-related conditions and no experimental evidence demonstrating its impact on protein function have been reported. ClinVar contains an entry for this variant (Variation ID: 1991707). Based on the evidence outlined above, the variant was classified as uncertain significance.

Labcorp Genetics (formerly Invitae), Labcorp
Classification: Likely pathogenic for Renal carnitine transport defect. Last evaluated: 2022-07-21. Review status: criteria provided, single submitter. Criteria: Invitae Variant Classification Sherloc (09022015). Collection method: clinical testing. Allele origin: germline.
Comment: In summary, the currently available evidence indicates that the variant is pathogenic, but additional data are needed to prove that conclusively. Therefore, this variant has been classified as Likely Pathogenic. This variant disrupts the p.Met433 amino acid residue in SLC22A5. Other variant(s) that disrupt this residue have been determined to be pathogenic (PMID: 31364285). This suggests that this residue is clinically significant, and that variants that disrupt this residue are likely to be disease-causing. Advanced modeling of protein sequence and biophysical properties (such as structural, functional, and spatial information, amino acid conservation, physicochemical variation, residue mobility, and thermodynamic stability) performed at Invitae indicates that this missense variant is expected to disrupt SLC22A5 protein function. This variant has not been reported in the literature in individuals affected with SLC22A5-related conditions. This variant is present in population databases (rs748212030, gnomAD 0.0009%). This sequence change replaces methionine, which is neutral and non-polar, with isoleucine, which is neutral and non-polar, at codon 433 of the SLC22A5 protein (p.Met433Ile).

Literature cited by the submitters: PubMed 31364285 (cited by Labcorp Genetics (formerly Invitae), Labcorp).